The following is an entry in ClinVar:

ClinVar aggregate classification (germline): Pathogenic (1 of 4 stars; one submission).

gnomAD v4.1: 1 of 1,577,464 alleles (0.000063%); no homozygotes.

Submission:

Labcorp Genetics (formerly Invitae), Labcorp
Classification: Pathogenic. Last evaluated: 2024-12-12. Review status: criteria provided, single submitter. Criteria: Invitae Variant Classification Sherloc (09022015). Collection method: clinical testing. Allele origin: germline.
Comment: This sequence change creates a premature translational stop signal (p.Gln1214*) in the MYO18B gene. It is expected to result in an absent or disrupted protein product. Loss-of-function variants in MYO18B are known to be pathogenic (PMID: 25748484, 32184166, 32637634). This variant is not present in population databases (gnomAD no frequency). This variant has not been reported in the literature in individuals affected with MYO18B-related conditions. Algorithms developed to predict the effect of sequence changes on RNA splicing suggest that this variant may disrupt the consensus splice site. For these reasons, this variant has been classified as Pathogenic.

Literature cited by the submitters: PubMed 25748484; PubMed 32184166; PubMed 32637634.

NM_032608.7(MYO18B):c.3640C>T (p.Gln1214Ter)

Gene: MYO18B (myosin XVIIIB; plus strand). Cytogenetic location: 22q12.1.
Variant type: single nucleotide variant.
Coding change: c.3640C>T on transcript NM_032608.7 (MANE Select); coding-DNA position 3640, C replaced by T.
Protein change: p.Gln1214Ter; replaces glutamine 1214 with a stop codon.
Molecular consequence: nonsense.
Genome position (GRCh38, 1-based): chr22:25,847,517, C>T. VCF-style: chr22-25847517-C-T. GRCh37 (hg19) VCF-style: chr22-26243484-C-T.
Other names: c.3643C>T, p.Gln1215Ter (NM_001318245.2); short protein forms Q1215*, Q1214*.
Identifiers: ClinVar variation 3725445 (VCV003725445.2).
Genomic context (GRCh38, chr22:25,847,517, plus strand): 5'-TCCCGGCTGCACTTTATCCACTGCCTGGTACCAAACCCTGTGGTGGAAAGCAGGAGTGGG[C>T]AGGAATCTCCACCACCACCGCAGCCTGGTAGAGACAAGCCTGGGGCAGGTGGACCTCTGG-3'